The following is an entry in ClinVar:

ClinVar aggregate classification (germline): Uncertain significance. Review status: criteria provided, single submitter (1 of 4 stars). 2 submissions from 2 submitters: Uncertain significance (1). 1 of the submissions does not count toward it. Last evaluated 2025-11-19.

Conditions:
Autism (AUTS). Also called: Autistic disorder; Autistic disorder of childhood onset. Identifiers: MedGen C0004352, MeSH D001321, MONDO:0005260, OMIM 209850, HP:0000717.

gnomAD v4.1: 29 of 1,606,506 alleles (0.0018%); highest among the groups gnomAD compares: South Asian, 0.028%; no homozygotes.

Submissions (2):

Ambry Genetics
Classification: Uncertain significance. Last evaluated: 2025-11-19. Review status: criteria provided, single submitter. Criteria: Ambry Variant Classification Scheme 2023. Collection method: clinical testing. Allele origin: germline.

Centre for Addiction & Mental Health
Classification: Uncertain significance for Autism. Review status: no assertion criteria provided. Collection method: research. Allele origin: biparental. Affected: yes. Observed: 1 homozygote. Segregation with disease observed. Not counted in ClinVar's aggregate classification.
Comment: Gene not previously associated with disease; independent supportng evidence needed

NM_032780.4(TMEM25):c.614A>G (p.Asn205Ser)

Gene: TMEM25 (transmembrane protein 25; plus strand). Cytogenetic location: 11q23.3.
Variant type: single nucleotide variant.
Coding change: c.614A>G on transcript NM_032780.4 (MANE Select); coding-DNA position 614, A replaced by G.
Protein change: p.Asn205Ser; replaces asparagine 205 with serine.
Molecular consequence: missense variant. On other transcripts: non-coding transcript variant (1), intron variant (1).
Genome position (GRCh38, 1-based): chr11:118,533,148, A>G. VCF-style: chr11-118533148-A-G. GRCh37 (hg19) VCF-style: chr11-118403863-A-G.
Other names: c.614A>G (NM_032780.3); c.614A>G, p.Asn205Ser (NM_001144034.2, NM_001144035.2, NM_001144037.2 and 2 more transcripts); c.302A>G, p.Asn101Ser (NM_001144036.2); c.383-272A>G (NM_001318757.2); short protein forms N101S, N205S.
Identifiers: ClinVar variation 3338214 (VCV003338214.3).